The following is an entry in ClinVar:

NM_000939.4(POMC):c.214G>T (p.Glu72Ter)

Gene: POMC (proopiomelanocortin; minus strand). Cytogenetic location: 2p23.3.
Variant type: single nucleotide variant.
Coding change: c.214G>T on transcript NM_000939.4 (MANE Select); coding-DNA position 214, G replaced by T.
Protein change: p.Glu72Ter; replaces glutamic acid 72 with a stop codon.
Molecular consequence: nonsense.
Genome position (GRCh38, 1-based): chr2:25,161,671, C>A on the plus strand (G>T on the coding strand, the complement: POMC is on the minus strand). VCF-style: chr2-25161671-C-A. GRCh37 (hg19) VCF-style: chr2-25384540-C-A.
Other names: c.214G>T, p.Glu72Ter (NM_001035256.3, NM_001319204.2, NM_001319205.2); short protein forms E72*.
Identifiers: ClinVar variation 4812832 (VCV004812832.1).
Genomic context (GRCh38, chr2:25,161,671, plus strand): 5'-TGTTGCGGCGGCCGAATCGGTCCCAGCGGAAGTGGCCCATGACGTACTTCCGGGGGTTCT[C>A]GGTCAGAGGCTGCTCGTCGCCATTTCCCGGGAACATGGGAGTCTCGGCCGAGAGGTCGGG-3'

ClinVar aggregate classification (germline): Likely pathogenic (1 of 4 stars; one submission).

Conditions:
Early onset severe obesity. Identifiers: MedGen C4013980.

Submission:

Cambridge Genomics Laboratory, East Genomic Laboratory Hub, NHS Genomic Medicine Service
Classification: Likely pathogenic for Severe early-onset obesity. Last evaluated: 2024-07-15. Review status: criteria provided, single submitter. Criteria: ACGS Best Practice Guidelines for Variant Classification in Rare Disease 2020. Collection method: clinical testing. Allele origin: germline. Affected: yes.
Comment: The p.Glu72Ter variant is novel (not in any individuals) in gnomAD All. The p.Glu72Ter variant is novel (not in any individuals) in 1kG All. The p.Glu72Ter variant is novel (not in any individuals) in gnomAD Genomes v3 All. (PM2 - Moderate) | There are 4 downstream pathogenic loss of function variants, with the furthest variant being 67 residues downstream of this variant. This indicates that the region is critical to protein function. The p.Glu72Ter variant is a loss of function variant in the gene POMC, which is intolerant of Loss of Function variants, as indicated by the presence of existing pathogenic loss of function variant NP_001030333.1:p.S7Rfs*120 and 7 others. (PVS1_Strong - Strong)